The following is an entry in ClinVar:

ClinVar aggregate classification (germline): Uncertain significance (1 of 4 stars; one submission).

gnomAD v4.1: 1 of 1,613,976 alleles (0.000062%); highest among the groups gnomAD compares: Non-Finnish European, 0.000085%; no homozygotes.

Submission:

GeneDx
Classification: Uncertain significance. Last evaluated: 2024-04-25. Review status: criteria provided, single submitter. Criteria: GeneDx Variant Classification Process June 2021. Collection method: clinical testing. Allele origin: germline. Affected: yes.
Comment: Not observed at significant frequency in large population cohorts (gnomAD); In silico analysis supports that this missense variant has a deleterious effect on protein structure/function; Has not been previously published as pathogenic or benign to our knowledge

NM_001385012.1(NBEA):c.7814A>G (p.Gln2605Arg)

Gene: NBEA (neurobeachin; plus strand). Cytogenetic location: 13q13.3.
Variant type: single nucleotide variant.
Coding change: c.7814A>G on transcript NM_001385012.1 (MANE Select); coding-DNA position 7814, A replaced by G.
Protein change: p.Gln2605Arg; replaces glutamine 2605 with arginine.
Molecular consequence: missense variant.
Genome position (GRCh38, 1-based): chr13:35,649,698, A>G. VCF-style: chr13-35649698-A-G. GRCh37 (hg19) VCF-style: chr13-36223835-A-G.
Other names: c.1130A>G, p.Gln377Arg (NM_001204197.3); c.7805A>G, p.Gln2602Arg (NM_001379245.1); c.7751A>G, p.Gln2584Arg (NM_015678.5); short protein forms Q2584R, Q2602R, Q2605R, Q377R.
Identifiers: ClinVar variation 3373119 (VCV003373119.1).
Genomic context (GRCh38, chr13:35,649,698, plus strand): 5'-CCCTTTCTATTCAACAGTGTTTCCTTCCACAGAGTCCGCTCATGTTTAAAGATCAGATGC[A>G]ACAGGATGTGATAATGGTGCTGAAGTTTCCTTCAAATTCTCCAGTAACCCATGTGGCAGC-3'
Protein context (NP_001371941.1, residues 2595-2615): QSPLMFKDQM[Gln2605Arg]QDVIMVLKFP